The following is an entry in ClinVar:

NM_001166108.2(PALLD):c.1799A>C (p.Gln600Pro)

Gene: PALLD (palladin, cytoskeletal associated protein; plus strand). Cytogenetic location: 4q32.3.
Variant type: single nucleotide variant.
Coding change: c.1799A>C on transcript NM_001166108.2 (MANE Select); coding-DNA position 1799, A replaced by C.
Protein change: p.Gln600Pro; replaces glutamine 600 with proline.
Molecular consequence: missense variant.
Genome position (GRCh38, 1-based): chr4:168,711,758, A>C. VCF-style: chr4-168711758-A-C. GRCh37 (hg19) VCF-style: chr4-169632909-A-C.
Other names: c.653A>C, p.Gln218Pro (NM_001166109.2); c.1799A>C, p.Gln600Pro (NM_016081.4); short protein forms Q218P, Q600P.
Identifiers: ClinVar variation 1780301 (VCV001780301.2), dbSNP rs1003832951, ClinGen allele CA110497320.
Genomic context (GRCh38, chr4:168,711,758, plus strand): 5'-AACCATCTGAGATCCAGCAGGTGAACAACCCTGAGTTAGGCCTGAGCAGGGCAGCCCTTC[A>C]AATGCAATTCAATGCTGCTGAGAGGGAAACGAACGGAGTCCATCCCAGCCGTGGAGTAAA-3'
Protein context (NP_001159580.1, residues 590-610): PELGLSRAAL[Gln600Pro]MQFNAAERET

ClinVar aggregate classification (germline): Uncertain significance (1 of 4 stars; one submission).

Allele frequency attached by ClinVar (database versions not stated): gnomAD exomes 0.00001; TOPMed 0.00001.
gnomAD v4.1: 6 of 1,614,194 alleles (0.00037%); highest among the groups gnomAD compares: Middle Eastern, 0.066%; no homozygotes.

Submission:

Ambry Genetics
Classification: Uncertain significance. Last evaluated: 2023-11-19. Review status: criteria provided, single submitter. Criteria: Ambry Variant Classification Scheme 2023. Collection method: clinical testing. Allele origin: germline.
Comment: The p.Q600P variant (also known as c.1799A>C), located in coding exon 9 of the PALLD gene, results from an A to C substitution at nucleotide position 1799. The glutamine at codon 600 is replaced by proline, an amino acid with similar properties. This amino acid position is conserved. In addition, the in silico prediction for this alteration is inconclusive. Since supporting evidence is limited at this time, the clinical significance of this alteration remains unclear.